The following is an entry in ClinVar:

NM_000288.4(PEX7):c.800T>C (p.Val267Ala)

Gene: PEX7 (peroxisomal biogenesis factor 7; plus strand). Cytogenetic location: 6q23.3.
Variant type: single nucleotide variant.
Coding change: c.800T>C on transcript NM_000288.4 (MANE Select); coding-DNA position 800, T replaced by C.
Protein change: p.Val267Ala; replaces valine 267 with alanine.
Molecular consequence: missense variant.
Genome position (GRCh38, 1-based): chr6:136,872,250, T>C. VCF-style: chr6-136872250-T-C. GRCh37 (hg19) VCF-style: chr6-137193388-T-C.
Other names: c.686T>C, p.Val229Ala (NM_001410945.1); c.800T>C (NM_000288.3); short protein forms V267A, V229A.
Identifiers: ClinVar variation 2153669 (VCV002153669.4), dbSNP rs774767950, ClinGen allele CA4017761.

ClinVar aggregate classification (germline): Uncertain significance. Review status: criteria provided, multiple submitters, no conflicts (2 of 4 stars). 3 submissions from 3 submitters: Uncertain significance (3). Last evaluated 2026-07-04.

Conditions:
Inborn genetic diseases. Identifiers: MedGen C0950123, MeSH D030342.
Peroxisome biogenesis disorder 9B. Also called: PEX7-Related Refsum Disease; Refsum disease, adult, 2; PEROXISOME BIOGENESIS DISORDER, PEX7-RELATED, ATYPICAL. Identifiers: Orphanet 773, MedGen C2749346, MONDO:0013945, OMIM 614879.

Allele frequency attached by ClinVar (database versions not stated): gnomAD 0.00001; TOPMed 0.00001; gnomAD exomes 0.00001; ExAC 0.00003.
gnomAD v4.1: 23 of 1,609,954 alleles (0.0014%); highest among the groups gnomAD compares: Non-Finnish European, 0.0019%; 1 homozygote.

Submissions (3):

Ambry Genetics
Classification: Uncertain significance for Inborn genetic diseases. Last evaluated: 2026-07-04. Review status: criteria provided, single submitter. Criteria: Ambry Variant Classification Scheme 2023. Collection method: clinical testing. Allele origin: germline.
Comment: The p.V267A variant (also known as c.800T>C), located in coding exon 8 of the PEX7 gene, results from a T to C substitution at nucleotide position 800. The valine at codon 267 is replaced by alanine, an amino acid with similar properties. This amino acid position is conserved. In addition, the in silico prediction for this alteration is inconclusive. Based on the available evidence, the clinical significance of this variant remains unclear.

Labcorp Genetics (formerly Invitae), Labcorp
Classification: Uncertain significance for Peroxisome biogenesis disorder 9B. Last evaluated: 2022-07-13. Review status: criteria provided, single submitter. Criteria: Invitae Variant Classification Sherloc (09022015). Collection method: clinical testing. Allele origin: germline.
Comment: This sequence change replaces valine, which is neutral and non-polar, with alanine, which is neutral and non-polar, at codon 267 of the PEX7 protein (p.Val267Ala). This variant is present in population databases (rs774767950, gnomAD 0.004%). This variant has not been reported in the literature in individuals affected with PEX7-related conditions. Algorithms developed to predict the effect of missense changes on protein structure and function (SIFT, PolyPhen-2, Align-GVGD) all suggest that this variant is likely to be tolerated. In summary, the available evidence is currently insufficient to determine the role of this variant in disease. Therefore, it has been classified as a Variant of Uncertain Significance.

Blueprint Genetics
Classification: Uncertain significance. Last evaluated: 2021-10-04. Review status: criteria provided, single submitter. Criteria: ACMG Guidelines, 2015. Collection method: clinical testing. Allele origin: germline.